The following is an entry in ClinVar:

ClinVar aggregate classification (germline): Pathogenic (1 of 4 stars; one submission).

Conditions:
Hereditary breast ovarian cancer syndrome. Also called: BRCA1- and BRCA2-Associated Hereditary Breast and Ovarian Cancer; Hereditary breast and/or ovarian cancer syndrome; Hereditary breast and ovarian cancer syndrome; Hereditary breast and ovarian cancer syndrome (HBOC); Breast and ovarian cancer; Hereditary breast and ovarian cancer. Identifiers: Orphanet 145, MedGen C0677776, MeSH D061325, MONDO:0003582. Disease mechanism: loss of function.

Submission:

Labcorp Genetics (formerly Invitae), Labcorp
Classification: Pathogenic for Hereditary breast ovarian cancer syndrome. Last evaluated: 2025-05-04. Review status: criteria provided, single submitter. Criteria: Invitae Variant Classification Sherloc (09022015). Collection method: clinical testing. Allele origin: germline.
Comment: This sequence change creates a premature translational stop signal (p.Ser1074Valfs*3) in the BRCA2 gene. It is expected to result in an absent or disrupted protein product. Loss-of-function variants in BRCA2 are known to be pathogenic (PMID: 20104584). This variant is not present in population databases (gnomAD no frequency). This variant has not been reported in the literature in individuals affected with BRCA2-related conditions. ClinVar contains an entry for this variant (Variation ID: 3637463). For these reasons, this variant has been classified as Pathogenic.

Literature cited by the submitters: PubMed 20104584.

NM_000059.4(BRCA2):c.3220del (p.Ser1074fs)

Gene: BRCA2 (BRCA2 DNA repair associated; plus strand). Cytogenetic location: 13q13.1.
Variant type: Deletion.
Coding change: c.3220del on transcript NM_000059.4 (MANE Select); coding-DNA position 3220, one base deleted (A; older notation c.3220delA).
Protein change: p.Ser1074fs; shifts the reading frame from serine 1074.
Molecular consequence: frameshift variant. On other transcripts: non-coding transcript variant (1), intron variant (2).
Genome position (GRCh38, 1-based): chr13:32,337,575, A deleted. VCF-style (leftmost placement, unchanged base first): chr13-32337574-GA-G. GRCh37 (hg19) VCF-style: chr13-32911711-GA-G.
Other names: c.3220del, p.Ser1074fs (NM_001406719.1, NM_001406720.1, NM_001432077.1); c.1909+4188del (NM_001406721.1); c.424+6545del (NM_001406722.1); short protein forms S1074fs.
Identifiers: ClinVar variation 3637463 (VCV003637463.2).
Genomic context (GRCh38, chr13:32,337,574, plus strand): 5'-AGATAATCAAAAGAAACTGAGCAAGCCTCAGTCAATTAATACTGTATCTGCACATTTACA[GA>G]GTAGTGTAGTTGTTTCTGATTGTAAAAATAGTCATATAACCCCTCAGATGTTATTTTCCA-3'